The following is an entry in ClinVar:

ClinVar aggregate classification (germline): Uncertain significance (1 of 4 stars; one submission).

Conditions:
Congenital contractural arachnodactyly (CCA). Also called: Arthrogryposis, distal, type 9; BEALS SYNDROME; Beals-Hecht syndrome. Identifiers: Orphanet 115, MedGen C0220668, MONDO:0007363, OMIM 121050.

Submission:

Labcorp Genetics (formerly Invitae), Labcorp
Classification: Uncertain significance for Congenital contractural arachnodactyly. Last evaluated: 2025-02-27. Review status: criteria provided, single submitter. Criteria: Invitae Variant Classification Sherloc (09022015). Collection method: clinical testing. Allele origin: germline.
Comment: This sequence change creates a premature translational stop signal (p.Arg788Aspfs*29) in the FBN2 gene. It is expected to result in an absent or disrupted protein product. However, the current clinical and genetic evidence is not sufficient to establish whether loss-of-function variants in FBN2 cause disease. This variant is not present in population databases (gnomAD no frequency). This variant has not been reported in the literature in individuals affected with FBN2-related conditions. In summary, the available evidence is currently insufficient to determine the role of this variant in disease. Therefore, it has been classified as a Variant of Uncertain Significance.

NM_001999.4(FBN2):c.2361_2362insGA (p.Arg788fs)

Gene: FBN2 (fibrillin 2; minus strand). Cytogenetic location: 5q23.3.
Variant type: Insertion.
Coding change: c.2361_2362insGA on transcript NM_001999.4 (MANE Select); coding-DNA positions 2361 to 2362, GA inserted.
Protein change: p.Arg788fs; shifts the reading frame from arginine 788.
Molecular consequence: frameshift variant.
Genome position: GRCh38 VCF-style: chr5-128364666-G-GTC. GRCh37 (hg19) VCF-style: chr5-127700359-G-GTC.
Other names: short protein forms R788fs.
Identifiers: ClinVar variation 3719091 (VCV003719091.2).
Genomic context (GRCh38, chr5:128,364,666, plus strand): 5'-AGTTTCTTCCAGAGGCATCTGGTTCATAGCCACTGTTGCAATTACAACGGTAACTACCAC[G>GTC]TAAGTTTTCACAAATCCCATTGGCACATATATCAGGATCCAAAGCACATTCATTGATATC-3'